The following is an entry in ClinVar:

NM_001384140.1(PCDH15):c.2336G>T (p.Arg779Ile)

Gene: PCDH15 (protocadherin related 15; minus strand). Cytogenetic location: 10q21.1.
Variant type: single nucleotide variant.
Coding change: c.2336G>T on transcript NM_001384140.1 (MANE Select); coding-DNA position 2336, G replaced by T.
Protein change: p.Arg779Ile; replaces arginine 779 with isoleucine.
Molecular consequence: missense variant.
Genome position (GRCh38, 1-based): chr10:54,023,082, C>A on the plus strand (G>T on the coding strand, the complement: PCDH15 is on the minus strand). VCF-style: chr10-54023082-C-A. GRCh37 (hg19) VCF-style: chr10-55782842-C-A.
Other names: c.2351G>T, p.Arg784Ile (NM_001142763.2, NM_001142771.2); c.2336G>T, p.Arg779Ile (NM_001142764.2, NM_001142766.2, NM_001142770.3 and 5 more transcripts); c.2123G>T, p.Arg708Ile (NM_001142765.2); c.2225G>T, p.Arg742Ile (NM_001142767.2); c.2270G>T, p.Arg757Ile (NM_001142768.2, NM_001142773.2, NM_001354404.2); c.2372G>T, p.Arg791Ile (NM_001142769.4); c.2357G>T, p.Arg786Ile (NM_001354411.2); short protein forms R708I, R742I, R757I, R779I, R784I, R786I, R791I.
Identifiers: ClinVar variation 1305846 (VCV001305846.2), dbSNP rs750573995, ClinGen allele CA5506049.

ClinVar aggregate classification (germline): Uncertain significance (1 of 4 stars; one submission).

Allele frequency attached by ClinVar (database versions not stated): gnomAD 0.00001; TOPMed 0.00001; ExAC 0.00002; gnomAD exomes 0.00002.
gnomAD v4.1: 26 of 1,613,842 alleles (0.0016%); highest among the groups gnomAD compares: Non-Finnish European, 0.0021%; no homozygotes.

Submission:

GeneDx
Classification: Uncertain significance. Last evaluated: 2023-03-02. Review status: criteria provided, single submitter. Criteria: GeneDx Variant Classification Process June 2021. Collection method: clinical testing. Allele origin: germline. Affected: yes.
Comment: Not observed at significant frequency in large population cohorts (gnomAD); In silico analysis, which includes protein predictors and evolutionary conservation, supports a deleterious effect; Has not been previously published as pathogenic or benign to our knowledge